The following is an entry in ClinVar:

NM_000548.5(TSC2):c.131_132del (p.Ile44fs)

Gene: TSC2 (TSC complex subunit 2; plus strand). Cytogenetic location: 16p13.3.
Variant type: Deletion.
Coding change: c.131_132del on transcript NM_000548.5 (MANE Select); coding-DNA positions 131 to 132, 2 bases deleted (TA; older notation c.131_132delTA).
Protein change: p.Ile44fs; shifts the reading frame from isoleucine 44.
Molecular consequence: frameshift variant. On other transcripts: 5 prime UTR variant (1), intron variant (1).
Genome position (GRCh38, 1-based): chr16:2,048,746-2,048,747, TA deleted; deleting any 2 consecutive bases within chr16:2,048,745-2,048,747 gives the same sequence; the c. name uses the placement nearest the transcript's 3' end. VCF-style (leftmost placement, unchanged base first): chr16-2048744-AAT-A. GRCh37 (hg19) VCF-style: chr16-2098745-AAT-A.
Other names: c.131_132del, p.Ile44fs (NM_001077183.3, NM_001114382.3, NM_001318827.2 and 4 more transcripts); c.-96_-95del (NM_001318831.2); c.164_165del, p.Ile55fs (NM_001318832.2); c.-10+681_-10+682del (NM_001318829.2); short protein forms I44fs, I55fs.
Identifiers: ClinVar variation 419408 (VCV000419408.2), dbSNP rs1064793853, ClinGen allele CA16620084.

ClinVar aggregate classification (germline): Pathogenic (1 of 4 stars; one submission).

Submission:

GeneDx
Classification: Pathogenic. Last evaluated: 2015-07-16. Review status: criteria provided, single submitter. Criteria: GeneDx Variant Classification (06012015). Collection method: clinical testing. Allele origin: germline. Affected: yes.
Comment: The c.131_132delTA deletion in the TSC2 gene causes a frameshift starting with codon Isoleucine 44,changes this amino acid to a Threonine residue and creates a premature Stop codon at position 22 of thenew reading frame, denoted p.Ile44ThrfsX22. This deletion is predicted to cause loss of normal proteinfunction either through protein truncation or nonsense-mediated mRNA decay. Although this variant hasnot been previously reported to our knowledge, other frameshift variants have been reported in the TSC2gene in association with tuberous sclerosis (TSC2 LOVD; Stenson et al., 2014). Therefore, the c.131_132delTA variant is considered pathogenic.